The following is an entry in ClinVar:

ClinVar aggregate classification (germline): Uncertain significance (1 of 4 stars; one submission).

Allele frequency attached by ClinVar (database versions not stated): gnomAD exomes below 0.00001; TOPMed below 0.00001.
gnomAD v4.1: 2 of 1,613,942 alleles (0.00012%); highest among the groups gnomAD compares: South Asian, 0.0011%; no homozygotes.

Submission:

GeneDx
Classification: Uncertain significance. Last evaluated: 2023-02-08. Review status: criteria provided, single submitter. Criteria: GeneDx Variant Classification Process June 2021. Collection method: clinical testing. Allele origin: germline. Affected: yes.
Comment: Not observed at significant frequency in large population cohorts (gnomAD); In silico analysis supports that this missense variant has a deleterious effect on protein structure/function; Has not been previously published as pathogenic or benign to our knowledge

NM_001206744.2(TPO):c.499G>A (p.Gly167Ser)

Gene: TPO (thyroid peroxidase; plus strand). Cytogenetic location: 2p25.3.
Variant type: single nucleotide variant.
Coding change: c.499G>A on transcript NM_001206744.2 (MANE Select); coding-DNA position 499, G replaced by A.
Protein change: p.Gly167Ser; replaces glycine 167 with serine.
Molecular consequence: missense variant.
Genome position (GRCh38, 1-based): chr2:1,453,710, G>A. VCF-style: chr2-1453710-G-A. GRCh37 (hg19) VCF-style: chr2-1457482-G-A.
Other names: c.499G>A, p.Gly167Ser (NM_000547.6, NM_001206745.2, NM_175719.4 and 2 more transcripts); short protein forms G167S.
Identifiers: ClinVar variation 2575611 (VCV002575611.1), dbSNP rs1186530313, ClinGen allele CA345692366.
Genomic context (GRCh38, chr2:1,453,710, plus strand): 5'-TCTTCTCCCCCATCTCAAACACATCCTTGCATTTGTCTCCACAGAGACCACCCCAGATGG[G>A]GCGCCTCCAACACGGCCCTGGCACGATGGCTCCCTCCAGTCTATGAGGACGGCTTCAGTC-3'
Protein context (NP_001193673.1, residues 157-177): ACNNRDHPRW[Gly167Ser]ASNTALARWL